The following is an entry in ClinVar:

NM_000069.3(CACNA1S):c.5234G>A (p.Arg1745Lys)

Gene: CACNA1S (calcium voltage-gated channel subunit alpha1 S; minus strand). Cytogenetic location: 1q32.1.
Variant type: single nucleotide variant.
Coding change: c.5234G>A on transcript NM_000069.3 (MANE Select); coding-DNA position 5234, G replaced by A.
Protein change: p.Arg1745Lys; replaces arginine 1745 with lysine.
Molecular consequence: missense variant.
Genome position (GRCh38, 1-based): chr1:201,040,367, C>T on the plus strand (G>A on the coding strand, the complement: CACNA1S is on the minus strand). VCF-style: chr1-201040367-C-T. GRCh37 (hg19) VCF-style: chr1-201009495-C-T.
Other names: short protein forms R1745K.
Identifiers: ClinVar variation 3386274 (VCV003386274.1).

ClinVar aggregate classification (germline): Uncertain significance (1 of 4 stars; one submission).

Conditions:
Malignant hyperthermia, susceptibility to, 5 (MHS5). Also called: CACNA1S-Related Malignant Hyperthermia Susceptibility. Identifiers: Orphanet 423, MedGen C1866077, MONDO:0011163, OMIM 601887.

Submission:

All of Us Research Program, National Institutes of Health
Classification: Uncertain significance for Malignant hyperthermia, susceptibility to, 5. Last evaluated: 2024-02-22. Review status: criteria provided, single submitter. Criteria: ACMG Guidelines, 2015. Collection method: clinical testing. Allele origin: germline. Inheritance: Autosomal dominant inheritance. Observed: 1 variant allele, 1 heterozygote.
Comment: This missense variant replaces arginine with lysine at codon 1745 of the CACNA1S protein. Computational prediction suggests that this variant may not impact protein structure and function (internally defined REVEL score threshold <= 0.5, PMID: 27666373). To our knowledge, functional studies have not been reported for this variant. This variant has not been reported in individuals affected with CACNA1S-related disorders in the literature. This variant has been identified in 1/249350 chromosomes in the general population by the Genome Aggregation Database (gnomAD). The available evidence is insufficient to determine the role of this variant in disease conclusively. Therefore, this variant is classified as a Variant of Uncertain Significance.

This study involves interpretation of variants in research participants for the purpose of population health screening. Participant phenotype was not available at the time of variant classification. Additional details can be found in publication PMID: 35346344, PMCID: PMC8962531